The following is an entry in ClinVar:

NM_015047.3(EMC1):c.107A>C (p.Tyr36Ser)

Gene: EMC1 (ER membrane protein complex subunit 1; minus strand). Cytogenetic location: 1p36.13.
Variant type: single nucleotide variant.
Coding change: c.107A>C on transcript NM_015047.3 (MANE Select); coding-DNA position 107, A replaced by C.
Protein change: p.Tyr36Ser; replaces tyrosine 36 with serine.
Molecular consequence: missense variant.
Genome position (GRCh38, 1-based): chr1:19,245,019, T>G on the plus strand (A>C on the coding strand, the complement: EMC1 is on the minus strand). VCF-style: chr1-19245019-T-G. GRCh37 (hg19) VCF-style: chr1-19571513-T-G.
Other names: c.107A>C, p.Tyr36Ser (NM_001271427.2, NM_001271428.2, NM_001271429.2 and 2 more transcripts); short protein forms Y36S.
Identifiers: ClinVar variation 3028641 (VCV003028641.3), dbSNP rs1254210101, ClinGen allele CA338774224.

ClinVar aggregate classification (germline): Uncertain significance. Review status: criteria provided, multiple submitters, no conflicts (2 of 4 stars). 2 submissions from 2 submitters: Uncertain significance (2). Last evaluated 2024-04-19.

Conditions:
Retinal dystrophy. Also called: Inherited retinal dystrophy. Identifiers: Orphanet 71862, MedGen C0854723, MeSH D058499, MONDO:0019118, HP:0000556.

Allele frequency attached by ClinVar (database versions not stated): TOPMed below 0.00001; gnomAD 0.00001; gnomAD exomes 0.00001.
gnomAD v4.1: 6 of 1,613,676 alleles (0.00037%); highest among the groups gnomAD compares: East Asian, 0.013%; no homozygotes.

Submissions (2):

Labcorp Genetics (formerly Invitae), Labcorp
Classification: Uncertain significance. Last evaluated: 2024-04-19. Review status: criteria provided, single submitter. Criteria: Invitae Variant Classification Sherloc (09022015). Collection method: clinical testing. Allele origin: germline.
Comment: This sequence change replaces tyrosine, which is neutral and polar, with serine, which is neutral and polar, at codon 36 of the EMC1 protein (p.Tyr36Ser). This variant is not present in population databases (gnomAD no frequency). This variant has not been reported in the literature in individuals affected with EMC1-related conditions. Advanced modeling of protein sequence and biophysical properties (such as structural, functional, and spatial information, amino acid conservation, physicochemical variation, residue mobility, and thermodynamic stability) performed at Invitae indicates that this missense variant is expected to disrupt EMC1 protein function with a positive predictive value of 80%. In summary, the available evidence is currently insufficient to determine the role of this variant in disease. Therefore, it has been classified as a Variant of Uncertain Significance.

Dept Of Ophthalmology, Nagoya University
Classification: Uncertain significance for Retinal dystrophy. Last evaluated: 2023-10-01. Review status: criteria provided, single submitter. Criteria: Submitter's publication. Collection method: research. Allele origin: germline. Affected: yes.